The following is an entry in ClinVar:

NM_014585.6(SLC40A1):c.490G>A (p.Gly164Arg)

Gene: SLC40A1 (solute carrier family 40 member 1; minus strand). Cytogenetic location: 2q32.2.
Variant type: single nucleotide variant.
Coding change: c.490G>A on transcript NM_014585.6 (MANE Select); coding-DNA position 490, G replaced by A.
Protein change: p.Gly164Arg; replaces glycine 164 with arginine.
Molecular consequence: missense variant.
Genome position (GRCh38, 1-based): chr2:189,571,739, C>T on the plus strand (G>A on the coding strand, the complement: SLC40A1 is on the minus strand). VCF-style: chr2-189571739-C-T. GRCh37 (hg19) VCF-style: chr2-190436465-C-T.
Other names: short protein forms G164R.
Identifiers: ClinVar variation 4741723 (VCV004741723.1).
Genomic context (GRCh38, chr2:189,571,739, plus strand): 5'-ACATGCTCATTTCATTAAAAGAGAAAGCCAAATTACTTGCTAGTTTGCTTCTGTCTTCTC[C>T]TGCAACAACAACAATCCAATCCCTTTGGATTGTGATTGCAGTAGCAGTACTGGCCAAATT-3'
Protein context (NP_055400.1, residues 154-174): IQRDWIVVVA[Gly164Arg]EDRSKLANMN

ClinVar aggregate classification (germline): Uncertain significance (1 of 4 stars; one submission).

Conditions:
Hemochromatosis type 4 (HFE4). Also called: Ferroportin disease; HEMOCHROMATOSIS DUE TO DEFECT IN FERROPORTIN; HEMOCHROMATOSIS, AUTOSOMAL DOMINANT. Identifiers: Orphanet 139491, Orphanet 647834, Orphanet 648562, MedGen C1853733, MONDO:0011631, OMIM 606069.

gnomAD v4.1: 5 of 1,613,022 alleles (0.00031%); highest among the groups gnomAD compares: Non-Finnish European, 0.00042%; no homozygotes.

Submission:

Labcorp Genetics (formerly Invitae), Labcorp
Classification: Uncertain significance for Hemochromatosis type 4. Last evaluated: 2025-09-04. Review status: criteria provided, single submitter. Criteria: Invitae Variant Classification Sherloc (09022015). Collection method: clinical testing. Allele origin: germline.
Comment: This sequence change replaces glycine, which is neutral and non-polar, with arginine, which is basic and polar, at codon 164 of the SLC40A1 protein (p.Gly164Arg). This variant is present in population databases (rs756389348, gnomAD 0.003%). This variant has not been reported in the literature in individuals affected with SLC40A1-related conditions. Invitae Evidence Modeling of protein sequence and biophysical properties (such as structural, functional, and spatial information, amino acid conservation, physicochemical variation, residue mobility, and thermodynamic stability) has been performed for this missense variant. However, the output from this modeling did not meet the statistical confidence thresholds required to predict the impact of this variant on SLC40A1 protein function. In summary, the available evidence is currently insufficient to determine the role of this variant in disease. Therefore, it has been classified as a Variant of Uncertain Significance.